The following is an entry in ClinVar:

NM_144666.3(DNHD1):c.14234T>C (p.Val4745Ala)

Gene: DNHD1 (dynein heavy chain domain 1; plus strand). Cytogenetic location: 11p15.4.
Variant type: single nucleotide variant.
Coding change: c.14234T>C on transcript NM_144666.3 (MANE Select); coding-DNA position 14234, T replaced by C.
Protein change: p.Val4745Ala; replaces valine 4745 with alanine.
Molecular consequence: missense variant.
Genome position (GRCh38, 1-based): chr11:6,571,958, T>C. VCF-style: chr11-6571958-T-C. GRCh37 (hg19) VCF-style: chr11-6593188-T-C.
Other names: c.14234T>C (NM_144666.2); short protein forms V4745A.
Identifiers: ClinVar variation 1693250 (VCV001693250.3), dbSNP rs185616789, ClinGen allele CA5857342.

ClinVar aggregate classification (germline): Uncertain significance. Review status: criteria provided, single submitter (1 of 4 stars). 2 submissions from 2 submitters: Uncertain significance (1). 1 of the submissions does not count toward it. Last evaluated 2022-06-20.

Conditions:
DNHD1-related disorder. Also called: DNHD1-related condition.
Spermatogenic failure 65 (SPGF65). Identifiers: MedGen C5562067, MONDO:0030531, OMIM 619712.

Allele frequency attached by ClinVar (database versions not stated): 1000 Genomes Project 30x 0.00016; TOPMed 0.00038; ESP Exome Variant Server 0.00088; gnomAD exomes 0.00092 and 0.00108; gnomAD 0.00101 and 0.00105; ExAC 0.00106.

Submissions (2):

SIB Swiss Institute of Bioinformatics
Classification: Uncertain significance for Spermatogenic failure 65. Last evaluated: 2022-06-20. Review status: criteria provided, single submitter. Criteria: ACMG Guidelines, 2015. Collection method: curation. Allele origin: unknown.
Comment: This variant is interpreted as variant of uncertain significance for Spermatogenic failure 65, autosomal recessive. The following ACMG Tag(s) were applied: Absent from controls (or at extremely low frequency if recessive) in Exome Sequencing Project, 1000 Genomes Project, or Exome Aggregation Consortium (PM2 downgraded to supporting); For recessive disorders, detected in trans with a pathogenic variant (PM3).

PreventionGenetics, part of Exact Sciences
Classification: Benign for DNHD1-related condition. Last evaluated: 2019-07-18. Review status: no assertion criteria provided. Collection method: clinical testing. Allele origin: germline. Not counted in ClinVar's aggregate classification.
Comment: This variant is classified as benign based on ACMG/AMP sequence variant interpretation guidelines (Richards et al. 2015 PMID: 25741868, with internal and published modifications).

Literature cited by the submitters: PubMed 34932939 (cited by SIB Swiss Institute of Bioinformatics).